The following is an entry in ClinVar:

NM_024757.5(EHMT1):c.355G>C (p.Val119Leu)

Gene: EHMT1 (euchromatic histone lysine methyltransferase 1; plus strand). Cytogenetic location: 9q34.3.
Variant type: single nucleotide variant.
Coding change: c.355G>C on transcript NM_024757.5 (MANE Select); coding-DNA position 355, G replaced by C.
Protein change: p.Val119Leu; replaces valine 119 with leucine.
Molecular consequence: missense variant.
Genome position (GRCh38, 1-based): chr9:137,716,895, G>C. VCF-style: chr9-137716895-G-C. GRCh37 (hg19) VCF-style: chr9-140611347-G-C.
Other names: c.355G>C, p.Val119Leu (NM_001145527.2, NM_001354263.2, NM_001354611.2); c.262G>C, p.Val88Leu (NM_001354259.2, NM_001354612.2); short protein forms V119L, V88L.
Identifiers: ClinVar variation 3343074 (VCV003343074.1).
Genomic context (GRCh38, chr9:137,716,895, plus strand): 5'-AGAGACTCAGAAGCGGCGAAGCAAAACCACGTCACTGCCGACGACTTTGTGCAGACTTCT[G>C]TCATCGGCAGCAACGGATACATCTTAAATAAGCCGGCCCTACAGGCACAGCCCTTGAGGA-3'
Protein context (NP_079033.4, residues 109-129): VTADDFVQTS[Val119Leu]IGSNGYILNK

ClinVar aggregate classification (germline): Uncertain significance (1 of 4 stars; one submission).

gnomAD v4.1: 1 of 1,613,152 alleles (0.000062%); highest among the groups gnomAD compares: East Asian, 0.0022%; no homozygotes.

Submission:

GeneDx
Classification: Uncertain significance. Last evaluated: 2023-04-12. Review status: criteria provided, single submitter. Criteria: GeneDx Variant Classification Process June 2021. Collection method: clinical testing. Allele origin: germline. Affected: yes.
Comment: Not observed at significant frequency in large population cohorts (gnomAD); In silico analysis supports that this missense variant does not alter protein structure/function; Has not been previously published as pathogenic or benign to our knowledge